The following is an entry in ClinVar:

ClinVar aggregate classification (germline): Uncertain significance (1 of 4 stars; one submission).

Conditions:
Ellis-van Creveld syndrome (EVC). Also called: MESOECTODERMAL DYSPLASIA; EVC-Related Ellis-van Creveld Syndrome; EVC2-Related Ellis-van Creveld Syndrome; Chondroectodermal dysplasia. Identifiers: Orphanet 289, MedGen C0013903, MONDO:0009162, OMIM 225500.
Curry-Hall syndrome (WAD). Also called: WEYERS ACRODENTAL DYSOSTOSIS. Identifiers: Orphanet 952, MedGen C0457013, MONDO:0008673, OMIM 193530.

Allele frequency attached by ClinVar (database versions not stated): 1000 Genomes Project 0.00020; 1000 Genomes Project 30x 0.00031; ESP Exome Variant Server 0.00039.
gnomAD v4.1: 40 of 1,561,924 alleles (0.0026%); highest among the groups gnomAD compares: African/African-American, 0.04%; no homozygotes.

Submission:

Labcorp Genetics (formerly Invitae), Labcorp
Classification: Uncertain significance for Curry-Hall syndrome; Ellis-van Creveld syndrome. Last evaluated: 2024-07-24. Review status: criteria provided, single submitter. Criteria: Invitae Variant Classification Sherloc (09022015). Collection method: clinical testing. Allele origin: germline.
Comment: This sequence change replaces valine, which is neutral and non-polar, with methionine, which is neutral and non-polar, at codon 1182 of the EVC2 protein (p.Val1182Met). The frequency data for this variant in the population databases is considered unreliable, as metrics indicate poor data quality at this position in the gnomAD database. This variant has not been reported in the literature in individuals affected with EVC2-related conditions. ClinVar contains an entry for this variant (Variation ID: 2039584). An algorithm developed to predict the effect of missense changes on protein structure and function (PolyPhen-2) suggests that this variant¬¨‚Ä†is likely to be tolerated. In summary, the available evidence is currently insufficient to determine the role of this variant in disease. Therefore, it has been classified as a Variant of Uncertain Significance.

NM_147127.5(EVC2):c.3544G>A (p.Val1182Met)

Gene: EVC2 (EvC ciliary complex subunit 2; minus strand). Cytogenetic location: 4p16.2.
Variant type: single nucleotide variant.
Coding change: c.3544G>A on transcript NM_147127.5 (MANE Select); coding-DNA position 3544, G replaced by A.
Protein change: p.Val1182Met; replaces valine 1182 with methionine.
Molecular consequence: missense variant.
Genome position (GRCh38, 1-based): chr4:5,568,457, C>T on the plus strand (G>A on the coding strand, the complement: EVC2 is on the minus strand). VCF-style: chr4-5568457-C-T. GRCh37 (hg19) VCF-style: chr4-5570184-C-T.
Other names: c.3304G>A, p.Val1102Met (NM_001166136.2); short protein forms V1102M, V1182M.
Identifiers: ClinVar variation 2039584 (VCV002039584.2), dbSNP rs144511301, ClinGen allele CA2834283.